The following is an entry in ClinVar:

ClinVar aggregate classification (germline): Uncertain significance (1 of 4 stars; one submission).

gnomAD v4.1: 1 of 1,614,160 alleles (0.000062%); highest among the groups gnomAD compares: African/African-American, 0.0013%; no homozygotes.

Submission:

Ambry Genetics
Classification: Uncertain significance. Last evaluated: 2024-09-30. Review status: criteria provided, single submitter. Criteria: Ambry Variant Classification Scheme 2023. Collection method: clinical testing. Allele origin: germline.
Comment: The p.P1420Q variant (also known as c.4259C>A), located in coding exon 4 of the ALPK2 gene, results from a C to A substitution at nucleotide position 4259. The proline at codon 1420 is replaced by glutamine, an amino acid with similar properties. This amino acid position is conserved. In addition, this alteration is predicted to be tolerated by in silico analysis. Based on the available evidence, the clinical significance of this variant remains unclear.

NM_052947.4(ALPK2):c.4259C>A (p.Pro1420Gln)

Genes: ALPK2 (alpha kinase 2; minus strand), LOC126862764 (BRD4-independent group 4 enhancer GRCh37_chr18:56202574-56203773; plus strand). Cytogenetic location: 18q21.31.
Variant type: single nucleotide variant.
Coding change: c.4259C>A on transcript NM_052947.4 (MANE Select); coding-DNA position 4259, C replaced by A.
Protein change: p.Pro1420Gln; replaces proline 1420 with glutamine.
Molecular consequence: missense variant.
Genome position (GRCh38, 1-based): chr18:58,535,928, G>T on the plus strand (C>A on the coding strand, the complement: ALPK2 is on the minus strand). VCF-style: chr18-58535928-G-T. GRCh37 (hg19) VCF-style: chr18-56203160-G-T.
Other names: short protein forms P1420Q.
Identifiers: ClinVar variation 3531626 (VCV003531626.1).